The following is an entry in ClinVar:

ClinVar aggregate classification (germline): Conflicting classifications of pathogenicity. Review status: criteria provided, conflicting classifications (1 of 4 stars). 2 submissions from 2 submitters: Uncertain significance (1); Likely benign (1). Last evaluated 2025-12-21.

Conditions:
Developmental and epileptic encephalopathy, 48 (DEE48). Also called: Epileptic encephalopathy, early infantile, 48. Identifiers: MedGen C4310637, MONDO:0015000, OMIM 617276.

Allele frequency attached by ClinVar (database versions not stated): gnomAD 0.00034 and 0.00036; TOPMed 0.00036; gnomAD exomes 0.00043 and 0.00045; ExAC 0.00044; ESP Exome Variant Server 0.00073.
gnomAD v4.1: 678 of 1,613,236 alleles (0.042%); highest among the groups gnomAD compares: Middle Eastern, 0.43%; 2 homozygotes.

Submissions (3):

Labcorp Genetics (formerly Invitae), Labcorp
Classification: Likely benign. Last evaluated: 2025-12-21. Review status: criteria provided, single submitter. Criteria: Invitae Variant Classification Sherloc (09022015). Collection method: clinical testing. Allele origin: germline.

Baylor Genetics
Classification: Uncertain significance for Developmental and epileptic encephalopathy, 48. Last evaluated: 2018-04-11. Review status: criteria provided, single submitter. Criteria: ACMG Guidelines, 2015. Collection method: clinical testing. Allele origin: paternal. Affected: yes.
Comment: This variant was determined to be of uncertain significance according to ACMG Guidelines, 2015 [PMID:25741868].

Dr. Peter K. Rogan Lab, Western University
No classification provided (evidence only). Condition: Clear cell carcinoma of kidney. Review status: no classification provided. Collection method: in vitro. Allele origin: not applicable. Functional consequence: retained intron. Not counted in ClinVar's aggregate classification.

NM_001278512.2(AP3B2):c.1183-19T>G

Genes: AP3B2 (adaptor related protein complex 3 subunit beta 2; minus strand), CPEB1-AS1 (CPEB1 antisense RNA 1; plus strand). Cytogenetic location: 15q25.2.
Variant type: single nucleotide variant.
Coding change: c.1183-19T>G on transcript NM_001278512.2 (MANE Select); 19 bases into the intron before coding-DNA position 1183, T replaced by G.
Molecular consequence: intron variant.
Genome position (GRCh38, 1-based): chr15:82,678,186, A>C on the plus strand (T>G on the coding strand, the complement: AP3B2 is on the minus strand). VCF-style: chr15-82678186-A-C. GRCh37 (hg19) VCF-style: chr15-83346938-A-C.
Other names: c.1087-19T>G (NM_001278511.2); c.1183-19T>G (NM_004644.5).
Identifiers: ClinVar variation 1034104 (VCV001034104.10), dbSNP rs377729111, ClinGen allele CA7700289.
Genomic context (GRCh38, chr15:82,678,186, plus strand): 5'-AGGAATGTTGGTCTCATTGGCCAGGTTGGTCAGCACTTCCAGCTGCAGGGAGGGTTGGAG[A>C]GGCAGAAAATGGGTGGGTTGGCCAGTGGACTTTCTGTGCTTTCATTCCAAATACACTTCA-3'